The following is an entry in ClinVar:

NM_001609.4(ACADSB):c.946A>G (p.Ile316Val)

Gene: ACADSB (acyl-CoA dehydrogenase short/branched chain; plus strand). Cytogenetic location: 10q26.13.
Variant type: single nucleotide variant.
Coding change: c.946A>G on transcript NM_001609.4 (MANE Select); coding-DNA position 946, A replaced by G.
Protein change: p.Ile316Val; replaces isoleucine 316 with valine.
Molecular consequence: missense variant.
Genome position (GRCh38, 1-based): chr10:123,047,254, A>G. VCF-style: chr10-123047254-A-G. GRCh37 (hg19) VCF-style: chr10-124806770-A-G.
Other names: c.640A>G, p.Ile214Val (NM_001330174.3); short protein forms I316V, I214V.
Identifiers: ClinVar variation 299081 (VCV000299081.18), dbSNP rs1131430, ClinGen allele CA5730863.

ClinVar aggregate classification (germline): Benign. Review status: criteria provided, multiple submitters, no conflicts (2 of 4 stars). 6 submissions from 6 submitters: Benign (6). Last evaluated 2026-02-04.

Conditions:
Deficiency of 2-methylbutyryl-CoA dehydrogenase (ACADSB). Also called: 2-methylbutyryl-CoA dehydrogenase deficiency; SBCAD deficiency; 2-methylbutyric aciduria; Short branched-chain acyl-CoA dehydrogenase deficiency; 2-methylbutyrylglycinuria. Identifiers: Orphanet 79157, MedGen C1864912, MONDO:0012392, OMIM 610006, HP:0020147.

Allele frequency attached by ClinVar (database versions not stated): 1000 Genomes Project 0.03894; 1000 Genomes Project 30x 0.04138; gnomAD exomes 0.05861 and 0.07415; ExAC 0.06045; gnomAD 0.06089 and 0.06319; TOPMed 0.06220; ESP Exome Variant Server 0.07051.
gnomAD v4.1: 116,780 of 1,607,478 alleles (7.3%); highest among the groups gnomAD compares: Non-Finnish European, 8.5%; 4,805 homozygotes.

Submissions (6):

Labcorp Genetics (formerly Invitae), Labcorp
Classification: Benign for Deficiency of 2-methylbutyryl-CoA dehydrogenase. Last evaluated: 2026-02-04. Review status: criteria provided, single submitter. Criteria: Invitae Variant Classification Sherloc (09022015). Collection method: clinical testing. Allele origin: germline.

Blueprint Genetics
Classification: Benign. Last evaluated: 2024-11-27. Review status: criteria provided, single submitter. Criteria: ACMG Guidelines, 2015. Collection method: clinical testing. Allele origin: germline.

Mayo Clinic Laboratories, Mayo Clinic
Classification: Benign. Last evaluated: 2022-01-27. Review status: criteria provided, single submitter. Criteria: ACMG Guidelines, 2015. Collection method: clinical testing. Allele origin: germline. Observed: 12 variant alleles.

Illumina Laboratory Services, Illumina
Classification: Benign for Deficiency of 2-methylbutyryl-CoA dehydrogenase. Last evaluated: 2018-01-12. Review status: criteria provided, single submitter. Criteria: ICSL Variant Classification Criteria 13 December 2019. Collection method: clinical testing. Allele origin: germline.
Comment: This variant was observed in the ICSL laboratory as part of a predisposition screen in an ostensibly healthy population. It had not been previously curated by ICSL or reported in the Human Gene Mutation Database (HGMD: prior to June 1st, 2018), and was therefore a candidate for classification through an automated scoring system. Utilizing variant allele frequency, disease prevalence and penetrance estimates, and inheritance mode, an automated score was calculated to assess if this variant is too frequent to cause the disease. Based on the score and internal cut-off values, a variant classified as benign is not then subjected to further curation. The score for this variant resulted in a classification of benign for this disease.

GeneDx
Classification: Benign. Last evaluated: 2015-03-03. Review status: criteria provided, single submitter. Criteria: GeneDx Variant Classification Process June 2021. Collection method: clinical testing. Allele origin: germline. Affected: yes.

Breakthrough Genomics
Classification: Benign. Review status: criteria provided, single submitter. Criteria: ACMG Guidelines, 2015. Collection method: not provided. Allele origin: germline. Inheritance: Autosomal recessive inheritance. Affected: yes.